The following is an entry in ClinVar:

NM_001458.5(FLNC):c.1761C>A (p.Gly587=)

Gene: FLNC (filamin C; plus strand). Cytogenetic location: 7q32.1.
Variant type: single nucleotide variant.
Coding change: c.1761C>A on transcript NM_001458.5 (MANE Select); coding-DNA position 1761, C replaced by A.
Protein change: p.Gly587=; no amino-acid change (glycine 587 retained).
Molecular consequence: synonymous variant.
Genome position (GRCh38, 1-based): chr7:128,840,918, C>A. VCF-style: chr7-128840918-C-A. GRCh37 (hg19) VCF-style: chr7-128480972-C-A.
Other names: c.1761C>A, p.Gly587= (NM_001127487.2).
Identifiers: ClinVar variation 3048965 (VCV003048965.3), dbSNP rs1808304576, ClinGen allele CA457846657.

ClinVar aggregate classification (germline): Likely benign. Review status: criteria provided, single submitter (1 of 4 stars). 2 submissions from 2 submitters: Likely benign (1). 1 of the submissions does not count toward it. Last evaluated 2025-07-29.

Conditions:
FLNC-related disorder. Also called: FLNC-related disorders; FLNC-related condition.
Cardiovascular phenotype. Identifiers: MedGen CN230736.

Allele frequency attached by ClinVar (database versions not stated): gnomAD 0.00001.
gnomAD v4.1: 1 of 1,610,756 alleles (0.000062%); highest among the groups gnomAD compares: Admixed American, 0.0017%; no homozygotes.

Submissions (2):

Ambry Genetics
Classification: Likely benign for Cardiovascular phenotype. Last evaluated: 2025-07-29. Review status: criteria provided, single submitter. Criteria: Ambry Variant Classification Scheme 2023. Collection method: clinical testing. Allele origin: germline.

PreventionGenetics, part of Exact Sciences
Classification: Likely benign for FLNC-related condition. Last evaluated: 2023-08-23. Review status: no assertion criteria provided. Collection method: clinical testing. Allele origin: germline. Not counted in ClinVar's aggregate classification.
Comment: This variant is classified as likely benign based on ACMG/AMP sequence variant interpretation guidelines (Richards et al. 2015 PMID: 25741868, with internal and published modifications).